The following is an entry in ClinVar:

NM_030753.5(WNT3):c.977G>A (p.Arg326Gln)

Genes: LRRC37A2 (leucine rich repeat containing 37 member A2), WNT3 (Wnt family member 3; minus strand). Cytogenetic location: 17q21.31.
Variant type: single nucleotide variant.
Coding change: c.977G>A on transcript NM_030753.5 (MANE Select); coding-DNA position 977, G replaced by A.
Protein change: p.Arg326Gln; replaces arginine 326 with glutamine.
Molecular consequence: missense variant.
Genome position (GRCh38, 1-based): chr17:46,768,411, C>T on the plus strand (G>A on the coding strand, the complement: WNT3 is on the minus strand). VCF-style: chr17-46768411-C-T. GRCh37 (hg19) VCF-style: chr17-44845777-C-T.
Other names: short protein forms R326Q.
Identifiers: ClinVar variation 3712226 (VCV003712226.2).
Genomic context (GRCh38, chr17:46,768,411, plus strand): 5'-ATACACTCCTGGCAGCTGACGTAGCAGCACCAGTGGAAGATGCAGTGGCATTTTTCCTTC[C>T]GCTTCTCCGTCCTCGTGTTGTGGCCCCGGCCACAGCAGAGCAGATCGCAGCCATCGATGC-3'
Protein context (NP_110380.1, residues 316-336): GRGHNTRTEK[Arg326Gln]KEKCHCIFHW

ClinVar aggregate classification (germline): Uncertain significance (1 of 4 stars; one submission).

gnomAD v4.1: 25 of 1,613,834 alleles (0.0015%); highest among the groups gnomAD compares: Middle Eastern, 0.21%; no homozygotes.

Submission:

Labcorp Genetics (formerly Invitae), Labcorp
Classification: Uncertain significance. Last evaluated: 2025-08-12. Review status: criteria provided, single submitter. Criteria: Invitae Variant Classification Sherloc (09022015). Collection method: clinical testing. Allele origin: germline.
Comment: This sequence change replaces arginine, which is basic and polar, with glutamine, which is neutral and polar, at codon 326 of the WNT3 protein (p.Arg326Gln). This variant is present in population databases (rs768821285, gnomAD 0.009%). This variant has not been reported in the literature in individuals affected with WNT3-related conditions. ClinVar contains an entry for this variant (Variation ID: 3712226). Invitae Evidence Modeling of protein sequence and biophysical properties (such as structural, functional, and spatial information, amino acid conservation, physicochemical variation, residue mobility, and thermodynamic stability) indicates that this missense variant is not expected to disrupt WNT3 protein function with a negative predictive value of 80%. In summary, the available evidence is currently insufficient to determine the role of this variant in disease. Therefore, it has been classified as a Variant of Uncertain Significance.